The following is an entry in ClinVar:

NC_012920.1(MT-ATP6):m.9139G>A

Gene: MT-ATP6 (mitochondrially encoded ATP synthase 6; plus strand).
Variant type: single nucleotide variant.
Genome position: chrM-9139-G-A.
Identifiers: ClinVar variation 693107 (VCV000693107.1), dbSNP rs879243938, ClinGen allele CA337098238.

ClinVar aggregate classification (germline): Benign (1 of 4 stars; one submission).

Conditions:
Leigh syndrome (NULS). Also called: Leigh's necrotizing encephalopathy; Leigh's disease; Leigh Syndrome (mtDNA deletion); Leigh Disease; Subacute necrotizing encephalopathy; Necrotizing encephalopathy infantile subacute of Leigh. Identifiers: Orphanet 506, MedGen C2931891, MONDO:0009723, OMIM 256000.

Submission:

Wong Mito Lab, Molecular and Human Genetics, Baylor College of Medicine
Classification: Benign for Leigh syndrome. Last evaluated: 2019-10-17. Review status: criteria provided, single submitter. Criteria: Modified ACMG Guidelines (Unpublished). Collection method: clinical testing. Allele origin: germline.
Comment: The NC_012920.1:m.9139G>A (YP_003024031.1:p.Ala205Thr) variant in MTATP6 gene is interpretated to be a Benign variant based on the modified ACMG guidelines (unpublished). This variant meets the following evidence codes: BS1, BS2

Literature cited by the submitters: PubMed 18216301.